The following is an entry in ClinVar:

ClinVar aggregate classification (germline): Pathogenic (1 of 4 stars; one submission).

Conditions:
LMNB1-related primary microcephaly.

Submission:

GeneDx
Classification: Pathogenic. Last evaluated: 2023-11-21. Review status: criteria provided, single submitter. Criteria: GeneDx Variant Classification Process June 2021. Collection method: clinical testing. Allele origin: germline. Affected: yes.
Comment: Published functional studies suggest this variant results in increased nuclear aggregate formation and affects cell morphology, however additional studies are needed to validate the functional effect of this variant in vivo (PMID: 33033404); In-frame deletion of 1 amino acid in a non-repeat region; In silico analysis supports a deleterious effect on protein structure/function; Not observed at significant frequency in large population cohorts (gnomAD); This variant is associated with the following publications: (PMID: 37044185, 33033404)

NM_005573.4(LMNB1):c.97_99del (p.Lys33del)

Gene: LMNB1 (lamin B1; plus strand). Cytogenetic location: 5q23.2.
Variant type: Deletion.
Coding change: c.97_99del on transcript NM_005573.4 (MANE Select); coding-DNA positions 97 to 99, 3 bases deleted (AAG; older notation c.97_99delAAG).
Protein change: p.Lys33del; deletes lysine 33.
Molecular consequence: inframe deletion. On other transcripts: non-coding transcript variant (2), intron variant (1).
Genome position (GRCh38, 1-based): chr5:126,777,605-126,777,607, AAG deleted; deleting any 3 consecutive bases within chr5:126,777,603-126,777,607 gives the same sequence; the c. name uses the placement nearest the transcript's 3' end. VCF-style (leftmost placement, unchanged base first): chr5-126777602-GAGA-G. GRCh37 (hg19) VCF-style: chr5-126113294-GAGA-G.
Other names: c.-272+361_-272+363del (NM_001198557.2); short protein forms K33del.
Identifiers: ClinVar variation 3343965 (VCV003343965.3).